The following is an entry in ClinVar:

NM_001370259.2(MEN1):c.824+2T>C

Gene: MEN1 (menin 1; minus strand). Cytogenetic location: 11q13.1.
Variant type: single nucleotide variant.
Coding change: c.824+2T>C on transcript NM_001370259.2 (MANE Select); the canonical splice donor site of the intron after coding-DNA position 824, T replaced by C.
Molecular consequence: splice donor variant.
Genome position (GRCh38, 1-based): chr11:64,807,177, A>G on the plus strand (T>C on the coding strand, the complement: MEN1 is on the minus strand). VCF-style: chr11-64807177-A-G. GRCh37 (hg19) VCF-style: chr11-64574649-A-G.
Other names: c.839+2T>C (NM_130804.3, NM_130803.3, NM_000244.4 and 5 more transcripts); c.719+2T>C (NM_001407148.1, NM_001407149.1, NM_001407151.1 and 2 more transcripts); c.824+2T>C (NM_130799.3, NM_001407144.1, NM_001370260.2 and 7 more transcripts).
Identifiers: ClinVar variation 3254397 (VCV003254397.1), dbSNP rs2136132542.
Genomic context (GRCh38, chr11:64,807,177, plus strand): 5'-TCAGGCTGCCACCCAGCCCCCCGGCCTCACCAGGCGCAGCCTGGCCACTTCCCTCTACTG[A>G]CCTTTCCAGATGTCCCAGGTCATAGAGCAGCCAGAGCAGCTTCTAGGAGCCGAAGGAGAG-3'

ClinVar aggregate classification (germline): Likely pathogenic (1 of 4 stars; one submission).

Conditions:
Multiple endocrine neoplasia, type 1 (MEN1). Also called: Endocrine adenomatosis multiple; MEN 1; MEA I; MEN I; WERMER SYNDROME. Identifiers: Orphanet 652, MedGen C0025267, MeSH D018761, MONDO:0007540, OMIM 131100.

Submission:

Myriad Genetics, Inc.
Classification: Likely pathogenic for Multiple endocrine neoplasia, type 1. Last evaluated: 2024-05-30. Review status: criteria provided, single submitter. Criteria: Myriad Autosomal Dominant, Autosomal Recessive and X-Linked Classification Criteria (2023). Collection method: clinical testing. Allele origin: unknown.
Comment: This variant is considered likely pathogenic. This variant occurs within a consensus splice junction and is predicted to result in abnormal mRNA splicing of either an out-of-frame exon or an in-frame exon necessary for protein stability and/or normal function.